The following is an entry in ClinVar:

ClinVar aggregate classification (germline): Uncertain significance (1 of 4 stars; one submission).

gnomAD v4.1: 1 of 1,614,156 alleles (0.000062%); highest among the groups gnomAD compares: Non-Finnish European, 0.000085%; no homozygotes.

Submission:

CeGaT Center for Human Genetics Tuebingen
Classification: Uncertain significance. Last evaluated: 2022-09-01. Review status: criteria provided, single submitter. Criteria: CeGaT Center For Human Genetics Tuebingen Variant Classification Criteria Version 2. Collection method: clinical testing. Allele origin: germline. Affected: yes. Observed: 1 variant allele.
Comment: ZNF462: PM2, BP4

NM_021224.6(ZNF462):c.863T>G (p.Val288Gly)

Gene: ZNF462 (zinc finger protein 462; plus strand). Cytogenetic location: 9q31.2.
Variant type: single nucleotide variant.
Coding change: c.863T>G on transcript NM_021224.6 (MANE Select); coding-DNA position 863, T replaced by G.
Protein change: p.Val288Gly; replaces valine 288 with glycine.
Molecular consequence: missense variant.
Genome position (GRCh38, 1-based): chr9:106,924,775, T>G. VCF-style: chr9-106924775-T-G. GRCh37 (hg19) VCF-style: chr9-109687056-T-G.
Other names: c.863T>G, p.Val288Gly (NM_001347997.2); short protein forms V288G.
Identifiers: ClinVar variation 2659365 (VCV002659365.24), dbSNP rs752732489, ClinGen allele CA374383319.